The following is an entry in ClinVar:

ClinVar aggregate classification (germline): Uncertain significance (1 of 4 stars; one submission).

Conditions:
TTN-related disorder. Also called: TTN-related disorders; TTN-related condition; TTN-related disease.

gnomAD v4.1: 12 of 1,613,102 alleles (0.00074%); highest among the groups gnomAD compares: Non-Finnish European, 0.001%; no homozygotes.

Submission:

PreventionGenetics, part of Exact Sciences
Classification: Uncertain significance for TTN-related condition. Last evaluated: 2026-05-05. Review status: criteria provided, single submitter. Criteria: ACMG Guidelines, 2015. Collection method: clinical testing. Allele origin: germline.
Comment: The TTN c.80669G>A variant is predicted to result in the amino acid substitution p.Ser26890Asn. To our knowledge, this variant has not been reported in the literature. This variant is reported in 0.0023% of alleles in individuals of European (Non-Finnish) descent in gnomAD. At this time, the clinical significance of this variant is uncertain due to the absence of conclusive functional and genetic evidence.

NM_001267550.2(TTN):c.80669G>A (p.Ser26890Asn)

Genes: TTN (titin; minus strand), TTN-AS1 (TTN antisense RNA 1; plus strand). Cytogenetic location: 2q31.2.
Variant type: single nucleotide variant.
Coding change: c.80669G>A on transcript NM_001267550.2 (MANE Select); coding-DNA position 80669, G replaced by A.
Protein change: p.Ser26890Asn; replaces serine 26890 with asparagine.
Molecular consequence: missense variant.
Genome position (GRCh38, 1-based): chr2:178,565,463, C>T on the plus strand (G>A on the coding strand, the complement: TTN is on the minus strand). VCF-style: chr2-178565463-C-T. GRCh37 (hg19) VCF-style: chr2-179430190-C-T.
Other names: c.75746G>A, p.Ser25249Asn (NM_001256850.1); c.53474G>A, p.Ser17825Asn (NM_003319.4); c.72965G>A, p.Ser24322Asn (NM_133378.4); c.53849G>A, p.Ser17950Asn (NM_133432.3); c.54050G>A, p.Ser18017Asn (NM_133437.4); short protein forms S18017N, S24322N, S25249N, S17825N, S17950N, S26890N.
Identifiers: ClinVar variation 4989318 (VCV004989318.1).